The following is an entry in ClinVar:

ClinVar aggregate classification (germline): Likely benign (1 of 4 stars; one submission).

Allele frequency attached by ClinVar (database versions not stated): TOPMed 0.00242; ESP Exome Variant Server 0.00315; ExAC 0.00334.
gnomAD v4.1: 5,820 of 1,614,122 alleles (0.36%); highest among the groups gnomAD compares: Non-Finnish European, 0.42%; 16 homozygotes.

Submission:

CeGaT Center for Human Genetics Tuebingen
Classification: Likely benign. Last evaluated: 2022-12-01. Review status: criteria provided, single submitter. Criteria: CeGaT Center For Human Genetics Tuebingen Variant Classification Criteria Version 2. Collection method: clinical testing. Allele origin: germline. Affected: yes. Observed: 1 variant allele.
Comment: SPATA13: BP4, BP7

NM_001166271.3(SPATA13):c.3741C>T (p.Val1247=)

Gene: SPATA13 (spermatogenesis associated 13; plus strand). Cytogenetic location: 13q12.12.
Variant type: single nucleotide variant.
Coding change: c.3741C>T on transcript NM_001166271.3 (MANE Select); coding-DNA position 3741, C replaced by T.
Protein change: p.Val1247=; no amino-acid change (valine 1247 retained).
Molecular consequence: synonymous variant.
Genome position (GRCh38, 1-based): chr13:24,302,680, C>T. VCF-style: chr13-24302680-C-T. GRCh37 (hg19) VCF-style: chr13-24876818-C-T.
Other names: c.3927C>T, p.Val1309= (NM_001286792.2); c.1446C>T, p.Val482= (NM_001286793.2); c.1698C>T, p.Val566= (NM_001286794.2); c.1632C>T, p.Val544= (NM_001286795.2); c.1866C>T, p.Val622= (NM_153023.4).
Identifiers: ClinVar variation 2643683 (VCV002643683.24), dbSNP rs146852890, ClinGen allele CA6914615.